The following is an entry in ClinVar:

ClinVar aggregate classification (germline): Likely benign. Review status: criteria provided, multiple submitters, no conflicts (2 of 4 stars). 3 submissions from 3 submitters: Likely benign (2). 1 of the submissions does not count toward it. Last evaluated 2026-01-20.

Conditions:
Autosomal recessive osteopetrosis 1. Also called: ALBERS-SCHONBERG DISEASE, AUTOSOMAL RECESSIVE; TCIRG1-Related Osteopetrosis; TCIRG1-Related Autosomal Recessive Osteopetrosis. Identifiers: Orphanet 667, MedGen C1850127, MONDO:0009815, OMIM 259700.
TCIRG1-related disorder. Also called: TCIRG1-related condition.

Allele frequency attached by ClinVar (database versions not stated): gnomAD exomes 0.00007 and 0.00013; ExAC 0.00009; ESP Exome Variant Server 0.00011; TOPMed 0.00043; gnomAD 0.00049 and 0.00052; 1000 Genomes Project 0.00060; 1000 Genomes Project 30x 0.00078.

Submissions (3):

Labcorp Genetics (formerly Invitae), Labcorp
Classification: Likely benign. Last evaluated: 2026-01-20. Review status: criteria provided, single submitter. Criteria: Invitae Variant Classification Sherloc (09022015). Collection method: clinical testing. Allele origin: germline.

Illumina Laboratory Services, Illumina
Classification: Likely benign for Autosomal recessive osteopetrosis 1. Last evaluated: 2018-01-12. Review status: criteria provided, single submitter. Criteria: ICSL Variant Classification Criteria 13 December 2019. Collection method: clinical testing. Allele origin: germline.
Comment: This variant was observed in the ICSL laboratory as part of a predisposition screen in an ostensibly healthy population. It had not been previously curated by ICSL or reported in the Human Gene Mutation Database (HGMD: prior to June 1st, 2018), and was therefore a candidate for classification through an automated scoring system. Utilizing variant allele frequency, disease prevalence and penetrance estimates, and inheritance mode, an automated score was calculated to assess if this variant is too frequent to cause the disease. Based on the score and internal cut-off values, a variant classified as likely benign is not then subjected to further curation. The score for this variant resulted in a classification of likely benign for this disease.

PreventionGenetics, part of Exact Sciences
Classification: Likely benign for TCIRG1-related condition. Last evaluated: 2023-10-27. Review status: no assertion criteria provided. Collection method: clinical testing. Allele origin: germline. Not counted in ClinVar's aggregate classification.
Comment: This variant is classified as likely benign based on ACMG/AMP sequence variant interpretation guidelines (Richards et al. 2015 PMID: 25741868, with internal and published modifications).

NM_006019.4(TCIRG1):c.274C>T (p.Arg92Trp)

Gene: TCIRG1 (T cell immune regulator 1, ATPase H+ transporting V0 subunit a3; plus strand). Cytogenetic location: 11q13.2.
Variant type: single nucleotide variant.
Coding change: c.274C>T on transcript NM_006019.4 (MANE Select); coding-DNA position 274, C replaced by T.
Protein change: p.Arg92Trp; replaces arginine 92 with tryptophan.
Molecular consequence: missense variant. On other transcripts: 5 prime UTR variant (1).
Genome position (GRCh38, 1-based): chr11:68,042,720, C>T. VCF-style: chr11-68042720-C-T. GRCh37 (hg19) VCF-style: chr11-67810187-C-T.
Other names: c.-976C>T (NM_001351059.2); short protein forms R92W.
Identifiers: ClinVar variation 882393 (VCV000882393.10), dbSNP rs371907380, ClinGen allele CA6146691.
Genomic context (GRCh38, chr11:68,042,720, plus strand): 5'-GTGCGGCGGGCTGGGCTGGTCCTGCCCCCGCCAAAGGGGAGGCTGCCGGCACCCCCACCC[C>T]GGGACCTGCTGCGCATCCAGGAGGAGACGGAGCGCCTGGCCCAGGAGCTGCGGGATGTGC-3'
Protein context (NP_006010.2, residues 82-102): PKGRLPAPPP[Arg92Trp]DLLRIQEETE